The following is an entry in ClinVar:

ClinVar aggregate classification (germline): Likely benign. Review status: criteria provided, single submitter (1 of 4 stars). 2 submissions from 2 submitters: Likely benign (1). 1 of the submissions does not count toward it. Last evaluated 2025-12-23.

Conditions:
PDE8B-related disorder. Also called: PDE8B-related condition.

Allele frequency attached by ClinVar (database versions not stated): gnomAD exomes 0.00006 and 0.00012; 1000 Genomes Project 30x 0.00016; ExAC 0.00035; ESP Exome Variant Server 0.00046; gnomAD 0.00062 and 0.00068; TOPMed 0.00071.
gnomAD v4.1: 185 of 1,574,754 alleles (0.012%); highest among the groups gnomAD compares: African/African-American, 0.21%; no homozygotes.

Submissions (2):

Labcorp Genetics (formerly Invitae), Labcorp
Classification: Likely benign. Last evaluated: 2025-12-23. Review status: criteria provided, single submitter. Criteria: Invitae Variant Classification Sherloc (09022015). Collection method: clinical testing. Allele origin: germline.

PreventionGenetics, part of Exact Sciences
Classification: Likely benign for PDE8B-related condition. Last evaluated: 2020-02-17. Review status: no assertion criteria provided. Collection method: clinical testing. Allele origin: germline. Not counted in ClinVar's aggregate classification.
Comment: This variant is classified as likely benign based on ACMG/AMP sequence variant interpretation guidelines (Richards et al. 2015 PMID: 25741868, with internal and published modifications).

NM_003719.5(PDE8B):c.306G>A (p.Glu102=)

Gene: PDE8B (phosphodiesterase 8B; plus strand). Cytogenetic location: 5q13.3.
Variant type: single nucleotide variant.
Coding change: c.306G>A on transcript NM_003719.5 (MANE Select); coding-DNA position 306, G replaced by A.
Protein change: p.Glu102=; no amino-acid change (glutamic acid 102 retained).
Molecular consequence: synonymous variant. On other transcripts: 5 prime UTR variant (1), intron variant (13).
Genome position (GRCh38, 1-based): chr5:77,211,231, G>A. VCF-style: chr5-77211231-G-A. GRCh37 (hg19) VCF-style: chr5-76507056-G-A.
Other names: c.306G>A, p.Glu102= (NM_001029851.4, NM_001029852.4, NM_001029853.4 and 7 more transcripts); c.-64G>A (NM_001349753.2); c.36+30745G>A (NM_001349750.3, NM_001376069.1, NM_001376062.1 and 7 more transcripts); c.-34+1185G>A (NM_001376067.1, NM_001376075.1); c.-31+1185G>A (NM_001376068.1).
Identifiers: ClinVar variation 791030 (VCV000791030.12), dbSNP rs374248560, ClinGen allele CA3314847.